The following is an entry in ClinVar:

ClinVar aggregate classification (germline): Uncertain significance. Review status: criteria provided, multiple submitters, no conflicts (2 of 4 stars). 3 submissions from 3 submitters: Uncertain significance (3). Last evaluated 2025-12-22.

Conditions:
Inborn genetic diseases. Identifiers: MedGen C0950123, MeSH D030342.
Polyglandular autoimmune syndrome, type 1 (APS1). Also called: Autoimmune polyendocrinopathy syndrome, type I; PGA I; Autoimmune polyendocrine syndrome type 1; Autoimmune polyendocrinopathy syndrome , type I, with or without reversible metaphyseal dysplasia; AUTOIMMUNE POLYENDOCRINE SYNDROME, TYPE I, WITH OR WITHOUT REVERSIBLE METAPHYSEAL DYSPLASIA; HYPOADRENOCORTICISM WITH HYPOPARATHYROIDISM AND SUPERFICIAL MONILIASIS. Identifiers: Orphanet 3453, MedGen C0085859, MONDO:0009411, OMIM 240300.

Allele frequency attached by ClinVar (database versions not stated): gnomAD exomes 0.00001; gnomAD 0.00002; TOPMed 0.00002.
gnomAD v4.1: 20 of 1,551,338 alleles (0.0013%); highest among the groups gnomAD compares: Non-Finnish European, 0.0017%; no homozygotes.

Submissions (3):

Labcorp Genetics (formerly Invitae), Labcorp
Classification: Uncertain significance for Polyglandular autoimmune syndrome, type 1. Last evaluated: 2025-12-22. Review status: criteria provided, single submitter. Criteria: Invitae Variant Classification Sherloc (09022015). Collection method: clinical testing. Allele origin: germline.
Comment: This sequence change replaces proline, which is neutral and non-polar, with serine, which is neutral and polar, at codon 490 of the AIRE protein (p.Pro490Ser). The frequency data for this variant in the population databases is considered unreliable, as metrics indicate poor data quality at this position in the gnomAD database. This variant has not been reported in the literature in individuals affected with AIRE-related conditions. ClinVar contains an entry for this variant (Variation ID: 2202772). Invitae Evidence Modeling of protein sequence and biophysical properties (such as structural, functional, and spatial information, amino acid conservation, physicochemical variation, residue mobility, and thermodynamic stability) indicates that this missense variant is not expected to disrupt AIRE protein function with a negative predictive value of 95%. In summary, the available evidence is currently insufficient to determine the role of this variant in disease. Therefore, it has been classified as a Variant of Uncertain Significance.

Mayo Clinic Laboratories, Mayo Clinic
Classification: Uncertain significance. Last evaluated: 2025-10-29. Review status: criteria provided, single submitter. Criteria: ACMG Guidelines, 2015. Collection method: clinical testing. Allele origin: germline. Observed: 1 variant allele.
Comment: BP4_moderate

Ambry Genetics
Classification: Uncertain significance for Inborn genetic diseases. Last evaluated: 2025-09-24. Review status: criteria provided, single submitter. Criteria: Ambry Variant Classification Scheme 2023. Collection method: clinical testing. Allele origin: germline.
Comment: The c.1468C>T (p.P490S) alteration is located in exon 12 (coding exon 12) of the AIRE gene. This alteration results from a C to T substitution at nucleotide position 1468, causing the proline (P) at amino acid position 490 to be replaced by a serine (S). Based on data from gnomAD, the T allele has an overall frequency of 0.001% (1/161246) total alleles studied. The highest observed frequency was 0.001% (1/69134) of European (non-Finnish) alleles. Based on insufficient or conflicting evidence, the clinical significance of this alteration remains unclear.

NM_000383.4(AIRE):c.1468C>T (p.Pro490Ser)

Gene: AIRE (autoimmune regulator; plus strand). Cytogenetic location: 21q22.3.
Variant type: single nucleotide variant.
Coding change: c.1468C>T on transcript NM_000383.4 (MANE Select); coding-DNA position 1468, C replaced by T.
Protein change: p.Pro490Ser; replaces proline 490 with serine.
Molecular consequence: missense variant.
Genome position (GRCh38, 1-based): chr21:44,294,468, C>T. VCF-style: chr21-44294468-C-T. GRCh37 (hg19) VCF-style: chr21-45714351-C-T.
Other names: p.Pro490Ser; short protein forms P490S.
Identifiers: ClinVar variation 2202772 (VCV002202772.4), dbSNP rs1339946360, ClinGen allele CA410425971.